The following is an entry in ClinVar:

ClinVar aggregate classification (germline): Uncertain significance (1 of 4 stars; one submission).

Conditions:
Immunodeficiency 14 (IMD14A). Also called: p110-DELTA-ACTIVATING MUTATION CAUSING SENESCENT T CELLS, LYMPHADENOPATHY, AND IMMUNODEFICIENCY; ACTIVATED PI3K-DELTA SYNDROME 1; Activated PI3K Delta Syndrome Type 1 (APDS1); IMMUNODEFICIENCY 14A WITH LYMPHOPROLIFERATION, AUTOSOMAL DOMINANT. Identifiers: Orphanet 397596, Orphanet 693661, MedGen C5907821, MONDO:0014222, OMIM 615513.

Submission:

Labcorp Genetics (formerly Invitae), Labcorp
Classification: Uncertain significance for Activated PI3K-delta syndrome. Last evaluated: 2025-10-29. Review status: criteria provided, single submitter. Criteria: Invitae Variant Classification Sherloc (09022015). Collection method: clinical testing. Allele origin: germline.
Comment: This sequence change falls in intron 12 of the PIK3CD gene. It does not directly change the encoded amino acid sequence of the PIK3CD protein. The frequency data for this variant in the population databases is considered unreliable, as metrics indicate poor data quality at this position in the gnomAD database. This variant has not been reported in the literature in individuals affected with PIK3CD-related conditions. Algorithms developed to predict the effect of sequence changes on RNA splicing suggest that this variant may disrupt the consensus splice site. In summary, the available evidence is currently insufficient to determine the role of this variant in disease. Therefore, it has been classified as a Variant of Uncertain Significance.

NM_005026.5(PIK3CD):c.1521+17_1521+29del

Gene: PIK3CD (phosphatidylinositol-4,5-bisphosphate 3-kinase catalytic subunit delta; plus strand). Cytogenetic location: 1p36.22.
Variant type: Deletion.
Coding change: c.1521+17_1521+29del on transcript NM_005026.5 (MANE Select); bases 17 to 29 of the intron after coding-DNA position 1521, 13 bases deleted (TGTGGGGTGGGGG).
Molecular consequence: intron variant.
Genome position (GRCh38, 1-based): chr1:9,720,678-9,720,690, TGTGGGGTGGGGG deleted; deleting any 13 consecutive bases within chr1:9,720,666-9,720,690 gives the same sequence; the c. name uses the placement nearest the transcript's 3' end. VCF-style (leftmost placement, unchanged base first): chr1-9720665-AGTGGGGTGGGGGT-A. GRCh37 (hg19) VCF-style: chr1-9780723-AGTGGGGTGGGGGT-A.
Other names: c.1521+17_1521+29del (NM_001437547.1, NM_001439206.1, NM_001437546.1 and 2 more transcripts); c.1434+17_1434+29del (NM_001350235.1).
Identifiers: ClinVar variation 4694517 (VCV004694517.1).
Genomic context (GRCh38, chr1:9,720,665, plus strand): 5'-TTGCAGATCTTGGAGCTGGGGCGACACAGCGAGTGTGTGCATGTCACCGAGGAGGAGGTG[AGTGGGGTGGGGGT>A]GTGGGGTGGGGGGCATGGAGCCGGCGTGGAACCAGAGCCCTCACTCCTGCCCACACCCCT-3'